The following is an entry in ClinVar:

NM_014915.3(ANKRD26):c.2767A>C (p.Met923Leu)

Gene: ANKRD26 (ankyrin repeat domain containing 26; minus strand). Cytogenetic location: 10p12.1.
Variant type: single nucleotide variant.
Coding change: c.2767A>C on transcript NM_014915.3 (MANE Select); coding-DNA position 2767, A replaced by C.
Protein change: p.Met923Leu; replaces methionine 923 with leucine.
Molecular consequence: missense variant.
Genome position (GRCh38, 1-based): chr10:27,035,683, T>G on the plus strand (A>C on the coding strand, the complement: ANKRD26 is on the minus strand). VCF-style: chr10-27035683-T-G. GRCh37 (hg19) VCF-style: chr10-27324612-T-G.
Other names: c.2764A>C, p.Met922Leu (NM_001256053.2); short protein forms M922L, M923L.
Identifiers: ClinVar variation 4102452 (VCV004102452.1).

ClinVar aggregate classification (germline): Uncertain significance (1 of 4 stars; one submission).

Conditions:
Inborn genetic diseases. Identifiers: MedGen C0950123, MeSH D030342.

gnomAD v4.1: 1 of 1,603,232 alleles (0.000062%); highest among the groups gnomAD compares: Non-Finnish European, 0.000085%; no homozygotes.

Submission:

Ambry Genetics
Classification: Uncertain significance for Inborn genetic diseases. Last evaluated: 2025-07-28. Review status: criteria provided, single submitter. Criteria: Ambry Variant Classification Scheme 2023. Collection method: clinical testing. Allele origin: germline.
Comment: The p.M923L variant (also known as c.2767A>C), located in coding exon 24 of the ANKRD26 gene, results from an A to C substitution at nucleotide position 2767. The methionine at codon 923 is replaced by leucine, an amino acid with highly similar properties. This amino acid position is conserved. In addition, this alteration is predicted to be tolerated by in silico analysis. Based on the available evidence, the clinical significance of this variant remains unclear.